The following is an entry in ClinVar:

ClinVar aggregate classification (germline): Likely benign. Review status: criteria provided, multiple submitters, no conflicts (2 of 4 stars). 2 submissions from 2 submitters: Likely benign (2). Last evaluated 2025-12-10.

Allele frequency attached by ClinVar (database versions not stated): gnomAD 0.00001; TOPMed 0.00001; gnomAD exomes 0.00002; ExAC 0.00004; 1000 Genomes Project 30x 0.00016.
gnomAD v4.1: 37 of 1,577,656 alleles (0.0023%); highest among the groups gnomAD compares: Middle Eastern, 0.017%; no homozygotes.

Submissions (2):

Labcorp Genetics (formerly Invitae), Labcorp
Classification: Likely benign. Last evaluated: 2025-12-10. Review status: criteria provided, single submitter. Criteria: Invitae Variant Classification Sherloc (09022015). Collection method: clinical testing. Allele origin: germline.

GeneDx
Classification: Likely benign. Last evaluated: 2017-06-01. Review status: criteria provided, single submitter. Criteria: GeneDx Variant Classification (06012015). Collection method: clinical testing. Allele origin: germline. Affected: yes.
Comment: This variant is considered likely benign or benign based on one or more of the following criteria: it is a conservative change, it occurs at a poorly conserved position in the protein, it is predicted to be benign by multiple in silico algorithms, and/or has population frequency not consistent with disease.

NM_000142.5(FGFR3):c.615+11C>T

Gene: FGFR3 (fibroblast growth factor receptor 3; plus strand). Cytogenetic location: 4p16.3.
Variant type: single nucleotide variant.
Coding change: c.615+11C>T on transcript NM_000142.5 (MANE Select); 11 bases into the intron after coding-DNA position 615, C replaced by T.
Molecular consequence: intron variant.
Genome position (GRCh38, 1-based): chr4:1,801,547, C>T. VCF-style: chr4-1801547-C-T. GRCh37 (hg19) VCF-style: chr4-1803274-C-T.
Other names: c.615+11C>T (NM_001163213.2, NM_001354809.2, NM_001354810.2 and 1 more transcripts).
Identifiers: ClinVar variation 509955 (VCV000509955.6), dbSNP rs780810190, ClinGen allele CA2809878.
Genomic context (GRCh38, chr4:1,801,547, plus strand): 5'-TGAAGAACGGCAGGGAGTTCCGCGGCGAGCACCGCATTGGAGGCATCAAGGTGGGCGCGG[C>T]GGGGTGGCTCTGGGCCTGGCAGGCGCGGTGGTTGCTGCCTCCGCTCACTCACCCGCCCGC-3'